The following is an entry in ClinVar:

ClinVar aggregate classification (germline): Uncertain significance (1 of 4 stars; one submission).

Submission:

Labcorp Genetics (formerly Invitae), Labcorp
Classification: Uncertain significance. Last evaluated: 2022-02-22. Review status: criteria provided, single submitter. Criteria: Invitae Variant Classification Sherloc (09022015). Collection method: clinical testing. Allele origin: germline.
Comment: This sequence change replaces glutamic acid, which is acidic and polar, with glutamine, which is neutral and polar, at codon 657 of the RGS9 protein (p.Glu657Gln). This variant is not present in population databases (gnomAD no frequency). In summary, the available evidence is currently insufficient to determine the role of this variant in disease. Therefore, it has been classified as a Variant of Uncertain Significance. Algorithms developed to predict the effect of missense changes on protein structure and function (SIFT, PolyPhen-2, Align-GVGD) all suggest that this variant is likely to be tolerated. This variant has not been reported in the literature in individuals affected with RGS9-related conditions.

NM_003835.4(RGS9):c.1969G>C (p.Glu657Gln)

Gene: RGS9 (regulator of G protein signaling 9; plus strand). Cytogenetic location: 17q24.1.
Variant type: single nucleotide variant.
Coding change: c.1969G>C on transcript NM_003835.4 (MANE Select); coding-DNA position 1969, G replaced by C.
Protein change: p.Glu657Gln; replaces glutamic acid 657 with glutamine.
Molecular consequence: missense variant.
Genome position (GRCh38, 1-based): chr17:65,227,351, G>C. VCF-style: chr17-65227351-G-C. GRCh37 (hg19) VCF-style: chr17-63223469-G-C.
Other names: c.1960G>C, p.Glu654Gln (NM_001081955.3); short protein forms E654Q, E657Q.
Identifiers: ClinVar variation 2099972 (VCV002099972.4), dbSNP rs2509456381, ClinGen allele CA400674363.
Genomic context (GRCh38, chr17:65,227,351, plus strand): 5'-ATGGATGTGCCCACGGGGAGCGGGACCTGCTTGATGGACTCGGAGGATGCTGGAACAGGA[G>C]AGTCGGGTGACCGGGCCACAGAAAAGGAGGTCATCTGCCCCTGGGAGAGCCTGTAAGGAA-3'
Protein context (NP_003826.2, residues 647-667): LMDSEDAGTG[Glu657Gln]SGDRATEKEV